The following is an entry in ClinVar:

NM_021167.5(GATAD1):c.191C>G (p.Thr64Ser)

Genes: GATAD1 (GATA zinc finger domain containing 1; plus strand), LOC129998793 (ATAC-STARR-seq lymphoblastoid silent region 18371; plus strand). Cytogenetic location: 7q21.2.
Variant type: single nucleotide variant.
Coding change: c.191C>G on transcript NM_021167.5 (MANE Select); coding-DNA position 191, C replaced by G.
Protein change: p.Thr64Ser; replaces threonine 64 with serine.
Molecular consequence: missense variant. On other transcripts: non-coding transcript variant (1).
Genome position (GRCh38, 1-based): chr7:92,447,920, C>G. VCF-style: chr7-92447920-C-G. GRCh37 (hg19) VCF-style: chr7-92077234-C-G.
Other names: short protein forms T64S.
Identifiers: ClinVar variation 3280857 (VCV003280857.1).

ClinVar aggregate classification (germline): Uncertain significance (1 of 4 stars; one submission).

Conditions:
Cardiovascular phenotype. Identifiers: MedGen CN230736.

gnomAD v4.1: 1 of 1,249,042 alleles (0.00008%); highest among the groups gnomAD compares: African/African-American, 0.0016%; no homozygotes.

Submission:

Ambry Genetics
Classification: Uncertain significance for Cardiovascular phenotype. Last evaluated: 2024-04-27. Review status: criteria provided, single submitter. Criteria: Ambry Variant Classification Scheme 2023. Collection method: clinical testing. Allele origin: germline.
Comment: The p.T64S variant (also known as c.191C>G), located in coding exon 1 of the GATAD1 gene, results from a C to G substitution at nucleotide position 191. The threonine at codon 64 is replaced by serine, an amino acid with similar properties. This amino acid position is conserved. In addition, this alteration is predicted to be tolerated by in silico analysis. Based on the available evidence, the clinical significance of this variant remains unclear.